The following is an entry in ClinVar:

NM_020442.6(VARS2):c.2692G>T (p.Glu898Ter)

Gene: VARS2 (valyl-tRNA synthetase 2, mitochondrial; plus strand). Cytogenetic location: 6p21.33.
Variant type: single nucleotide variant.
Coding change: c.2692G>T on transcript NM_020442.6 (MANE Select); coding-DNA position 2692, G replaced by T.
Protein change: p.Glu898Ter; replaces glutamic acid 898 with a stop codon.
Molecular consequence: nonsense.
Genome position (GRCh38, 1-based): chr6:30,925,292, G>T. VCF-style: chr6-30925292-G-T. GRCh37 (hg19) VCF-style: chr6-30893069-G-T.
Other names: c.2272G>T, p.Glu758Ter (NM_001167733.3); c.2782G>T, p.Glu928Ter (NM_001167734.2); short protein forms E758*, E898*, E928*.
Identifiers: ClinVar variation 1333424 (VCV001333424.1), dbSNP rs2150570235, ClinGen allele CA363177380.

ClinVar aggregate classification (germline): Likely pathogenic (1 of 4 stars; one submission).

Conditions:
Combined oxidative phosphorylation defect type 20. Also called: Combined oxidative phosphorylation deficiency 20. Identifiers: Orphanet 420728, MedGen C4014660, MONDO:0014397, OMIM 615917.

Submission:

3billion
Classification: Likely pathogenic for Combined oxidative phosphorylation defect type 20. Last evaluated: 2022-01-03. Review status: criteria provided, single submitter. Criteria: ACMG Guidelines, 2015. Collection method: clinical testing. Allele origin: germline. Affected: yes. Observed: 1 heterozygote.
Comment: Stop-gained (nonsense): predicted to result in a loss or disruption of normal protein function through nonsense-mediated decay (NMD) or protein truncation. Multiple pathogenic variants are reported downstream of the variant (PVS1_VS). It is not observed in the gnomAD v2.1.1 dataset (PM2_M). Therefore, this variant is classified as likely pathogenic according to the recommendation of ACMG/AMP guideline.